The following is an entry in ClinVar:

ClinVar aggregate classification (germline): Uncertain significance (1 of 4 stars; one submission).

Conditions:
Familial thoracic aortic aneurysm and aortic dissection (TAAD). Also called: Thoracic aortic aneurysms and dissections. Identifiers: Orphanet 91387, MedGen C4707243, MONDO:0019625.

Submission:

Labcorp Genetics (formerly Invitae), Labcorp
Classification: Uncertain significance for Familial thoracic aortic aneurysm and aortic dissection. Last evaluated: 2025-09-07. Review status: criteria provided, single submitter. Criteria: Invitae Variant Classification Sherloc (09022015). Collection method: clinical testing. Allele origin: germline.
Comment: This sequence change replaces alanine, which is neutral and non-polar, with aspartic acid, which is acidic and polar, at codon 285 of the TGFBR2 protein (p.Ala285Asp). This variant is not present in population databases (gnomAD no frequency). This variant has not been reported in the literature in individuals affected with TGFBR2-related conditions. Invitae Evidence Modeling of protein sequence and biophysical properties (such as structural, functional, and spatial information, amino acid conservation, physicochemical variation, residue mobility, and thermodynamic stability) indicates that this missense variant is not expected to disrupt TGFBR2 protein function with a negative predictive value of 95%. In summary, the available evidence is currently insufficient to determine the role of this variant in disease. Therefore, it has been classified as a Variant of Uncertain Significance.

NM_003242.6(TGFBR2):c.854C>A (p.Ala285Asp)

Gene: TGFBR2 (transforming growth factor beta receptor 2; plus strand). Cytogenetic location: 3p24.1.
Variant type: single nucleotide variant.
Coding change: c.854C>A on transcript NM_003242.6 (MANE Select); coding-DNA position 854, C replaced by A.
Protein change: p.Ala285Asp; replaces alanine 285 with aspartic acid.
Molecular consequence: missense variant. On other transcripts: intron variant (1).
Genome position (GRCh38, 1-based): chr3:30,672,037, C>A. VCF-style: chr3-30672037-C-A. GRCh37 (hg19) VCF-style: chr3-30713529-C-A.
Other names: c.929C>A, p.Ala310Asp (NM_001024847.3); c.1037C>A, p.Ala346Asp (NM_001407126.1); c.962C>A, p.Ala321Asp (NM_001407127.1); c.881C>A, p.Ala294Asp (NM_001407128.1); c.857C>A, p.Ala286Asp (NM_001407129.1); c.854C>A, p.Ala285Asp (NM_001407130.1); c.749C>A, p.Ala250Asp (NM_001407132.1, NM_001407133.1, NM_001407134.1 and 2 more transcripts); c.569C>A, p.Ala190Asp (NM_001407137.1); and 2 more; short protein forms A165D, A190D, A250D, A285D, A286D, A294D, A310D, A321D.
Identifiers: ClinVar variation 4801608 (VCV004801608.1).